The following is an entry in ClinVar:

NM_032638.5(GATA2):c.1198A>G (p.Met400Val)

Gene: GATA2 (GATA binding protein 2; minus strand). Cytogenetic location: 3q21.3.
Variant type: single nucleotide variant.
Coding change: c.1198A>G on transcript NM_032638.5 (MANE Select); coding-DNA position 1198, A replaced by G.
Protein change: p.Met400Val; replaces methionine 400 with valine.
Molecular consequence: missense variant.
Genome position (GRCh38, 1-based): chr3:128,481,264, T>C on the plus strand (A>G on the coding strand, the complement: GATA2 is on the minus strand). VCF-style: chr3-128481264-T-C. GRCh37 (hg19) VCF-style: chr3-128200107-T-C.
Other names: c.1198A>G, p.Met400Val (NM_001145661.2); c.1156A>G, p.Met386Val (NM_001145662.1); short protein forms M386V, M400V.
Identifiers: ClinVar variation 4824114 (VCV004824114.1).
Genomic context (GRCh38, chr3:128,481,264, plus strand): 5'-ACTTTGACAGCTCCTCGAAGCACTCCGCCCCTTTCTTGCTCTTCTTGGACTTGTTGGACA[T>C]CTTCCGGTTCCGAGTCTGGATCCCTTCCTTCTTCATGGTCAGTGGCCTGTTAACCTAGAG-3'
Protein context (NP_116027.2, residues 390-410): KEGIQTRNRK[Met400Val]SNKSKKSKKG

ClinVar aggregate classification (germline): Uncertain significance (1 of 4 stars; one submission).

Conditions:
Inborn genetic diseases. Identifiers: MedGen C0950123, MeSH D030342.

Submission:

Ambry Genetics
Classification: Uncertain significance for Inborn genetic diseases. Last evaluated: 2026-02-15. Review status: criteria provided, single submitter. Criteria: Ambry Variant Classification Scheme 2023. Collection method: clinical testing. Allele origin: germline.
Comment: The p.M400V variant (also known as c.1198A>G), located in coding exon 5 of the GATA2 gene, results from an A to G substitution at nucleotide position 1198. The methionine at codon 400 is replaced by valine, an amino acid with highly similar properties. This amino acid position is conserved. In addition, this alteration is predicted to be deleterious by in silico analysis. Based on the available evidence, the clinical significance of this variant remains unclear.